The following is an entry in ClinVar:

NM_002718.5(PPP2R3A):c.2178A>G (p.Glu726=)

Gene: PPP2R3A (protein phosphatase 2 regulatory subunit B''alpha; plus strand). Cytogenetic location: 3q22.3.
Variant type: single nucleotide variant.
Coding change: c.2178A>G on transcript NM_002718.5 (MANE Select); coding-DNA position 2178, A replaced by G.
Protein change: p.Glu726=; no amino-acid change (glutamic acid 726 retained).
Molecular consequence: synonymous variant. On other transcripts: 5 prime UTR variant (1).
Genome position (GRCh38, 1-based): chr3:136,027,014, A>G. VCF-style: chr3-136027014-A-G. GRCh37 (hg19) VCF-style: chr3-135745856-A-G.
Other names: c.-31A>G (NM_001190447.2); c.315A>G, p.Glu105= (NM_181897.3).
Identifiers: ClinVar variation 3057956 (VCV003057956.2), dbSNP rs149963125, ClinGen allele CA2630770.

ClinVar aggregate classification (germline): Likely benign (0 of 4 stars; one submission).

Conditions:
PPP2R3A-related disorder. Also called: PPP2R3A-related condition.

Allele frequency attached by ClinVar (database versions not stated): gnomAD 0.00017; TOPMed 0.00020; ExAC 0.00033; ESP Exome Variant Server 0.00038; gnomAD exomes 0.00041.
gnomAD v4.1: 610 of 1,612,760 alleles (0.038%); highest among the groups gnomAD compares: South Asian, 0.08%; 1 homozygote.

Submission:

PreventionGenetics, part of Exact Sciences
Classification: Likely benign for PPP2R3A-related condition. Last evaluated: 2019-02-20. Review status: no assertion criteria provided. Collection method: clinical testing. Allele origin: germline.
Comment: This variant is classified as likely benign based on ACMG/AMP sequence variant interpretation guidelines (Richards et al. 2015 PMID: 25741868, with internal and published modifications).